The following is an entry in ClinVar:

NM_002637.4(PHKA1):c.3304C>A (p.Pro1102Thr)

Gene: PHKA1 (phosphorylase kinase regulatory subunit alpha 1; minus strand). Cytogenetic location: Xq13.1.
Variant type: single nucleotide variant.
Coding change: c.3304C>A on transcript NM_002637.4 (MANE Select); coding-DNA position 3304, C replaced by A.
Protein change: p.Pro1102Thr; replaces proline 1102 with threonine.
Molecular consequence: missense variant.
Genome position (GRCh38, 1-based): chrX:72,582,592, G>T on the plus strand (C>A on the coding strand, the complement: PHKA1 is on the minus strand). VCF-style: chrX-72582592-G-T. GRCh37 (hg19) VCF-style: chrX-71802442-G-T.
Other names: c.3265C>A, p.Pro1089Thr (NM_001122670.2); c.3088C>A, p.Pro1030Thr (NM_001172436.2); short protein forms P1030T, P1089T, P1102T.
Identifiers: ClinVar variation 2814433 (VCV002814433.3), dbSNP rs1259029071, ClinGen allele CA413581746.

ClinVar aggregate classification (germline): Uncertain significance (1 of 4 stars; one submission).

Conditions:
Glycogen storage disease IXd (GSD9D). Also called: Muscle Phosphorylase Kinase Deficiency; GSD IXd. Identifiers: Orphanet 715, MedGen C1845151, MONDO:0010362, OMIM 300559.

Allele frequency attached by ClinVar (database versions not stated): TOPMed below 0.00001; gnomAD 0.00001.

Submission:

Labcorp Genetics (formerly Invitae), Labcorp
Classification: Uncertain significance for Glycogen storage disease IXd. Last evaluated: 2022-11-15. Review status: criteria provided, single submitter. Criteria: Invitae Variant Classification Sherloc (09022015). Collection method: clinical testing. Allele origin: germline.
Comment: Algorithms developed to predict the effect of missense changes on protein structure and function (SIFT, PolyPhen-2, Align-GVGD) all suggest that this variant is likely to be tolerated. In summary, the available evidence is currently insufficient to determine the role of this variant in disease. Therefore, it has been classified as a Variant of Uncertain Significance. This sequence change replaces proline, which is neutral and non-polar, with threonine, which is neutral and polar, at codon 1102 of the PHKA1 protein (p.Pro1102Thr). This variant is not present in population databases (gnomAD no frequency). This variant has not been reported in the literature in individuals affected with PHKA1-related conditions.